The following is an entry in ClinVar:

NM_030958.3(SLCO5A1):c.254C>A (p.Ala85Asp)

Gene: SLCO5A1 (solute carrier organic anion transporter family member 5A1; minus strand). Cytogenetic location: 8q13.3.
Variant type: single nucleotide variant.
Coding change: c.254C>A on transcript NM_030958.3 (MANE Select); coding-DNA position 254, C replaced by A.
Protein change: p.Ala85Asp; replaces alanine 85 with aspartic acid.
Molecular consequence: missense variant.
Genome position (GRCh38, 1-based): chr8:69,832,420, G>T on the plus strand (C>A on the coding strand, the complement: SLCO5A1 is on the minus strand). VCF-style: chr8-69832420-G-T. GRCh37 (hg19) VCF-style: chr8-70744655-G-T.
Other names: c.254C>A, p.Ala85Asp (NM_001146008.2, NM_001146009.1); short protein forms A85D.
Identifiers: ClinVar variation 1685131 (VCV001685131.4), dbSNP rs966779038, ClinGen allele CA178881360.

ClinVar aggregate classification (germline): Uncertain significance. Review status: criteria provided, multiple submitters, no conflicts (2 of 4 stars). 2 submissions from 2 submitters: Uncertain significance (2). Last evaluated 2025-10-23.

Allele frequency attached by ClinVar (database versions not stated): gnomAD exomes 0.00001; TOPMed below 0.00001.
gnomAD v4.1: 9 of 1,613,076 alleles (0.00056%); highest among the groups gnomAD compares: Non-Finnish European, 0.00076%; no homozygotes.

Submissions (2):

Labcorp Genetics (formerly Invitae), Labcorp
Classification: Uncertain significance. Last evaluated: 2025-10-23. Review status: criteria provided, single submitter. Criteria: Invitae Variant Classification Sherloc (09022015). Collection method: clinical testing. Allele origin: germline.
Comment: This sequence change replaces alanine, which is neutral and non-polar, with aspartic acid, which is acidic and polar, at codon 85 of the SLCO5A1 protein (p.Ala85Asp). This variant is not present in population databases (gnomAD no frequency). This variant has not been reported in the literature in individuals affected with SLCO5A1-related conditions. ClinVar contains an entry for this variant (Variation ID: 1685131). An algorithm developed to predict the effect of missense changes on protein structure and function outputs the following: PolyPhen-2: "Benign". The aspartic acid amino acid residue is found in multiple mammalian species, which suggests that this missense change does not adversely affect protein function. In summary, the available evidence is currently insufficient to determine the role of this variant in disease. Therefore, it has been classified as a Variant of Uncertain Significance.

Mendelics
Classification: Uncertain significance. Last evaluated: 2022-05-04. Review status: criteria provided, single submitter. Criteria: Mendelics Assertion Criteria 2019. Collection method: clinical testing. Allele origin: germline.